The following is an entry in ClinVar:

NM_000383.4(AIRE):c.1566+1del

Genes: AIRE (autoimmune regulator; plus strand), LOC130066813 (ATAC-STARR-seq lymphoblastoid silent region 13378; plus strand). Cytogenetic location: 21q22.3.
Variant type: Deletion.
Coding change: c.1566+1del on transcript NM_000383.4 (MANE Select); the canonical splice donor site of the intron after coding-DNA position 1566, one base deleted (G; older notation c.1566+1delG).
Molecular consequence: splice donor variant.
Genome position (GRCh38, 1-based): chr21:44,296,446, G deleted; the last of 2 consecutive G bases (chr21:44,296,445-44,296,446); deleting either gives the same sequence. VCF-style (leftmost placement, unchanged base first): chr21-44296444-AG-A. GRCh37 (hg19) VCF-style: chr21-45716327-AG-A.
Identifiers: ClinVar variation 4818290 (VCV004818290.1).
Genomic context (GRCh38, chr21:44,296,444, plus strand): 5'-ATGACACTGCCAGTCACGAGCCCGCTCTGCACAGGGATGACCTGGAGTCCCTTCTGAGCG[AG>A]GTAACGCCTCCCCTGGCCTCCTGGTGCTCCTCCACTCCCCCTCCCCTGCCTCAGCCGGCA-3'

ClinVar aggregate classification (germline): Likely pathogenic (1 of 4 stars; one submission).

Conditions:
Polyglandular autoimmune syndrome, type 1 (APS1). Also called: PGA I; Autoimmune polyendocrinopathy syndrome , type I, with or without reversible metaphyseal dysplasia; AUTOIMMUNE POLYENDOCRINE SYNDROME, TYPE I, WITH OR WITHOUT REVERSIBLE METAPHYSEAL DYSPLASIA; APS I; Whitaker syndrome; HYPOADRENOCORTICISM WITH HYPOPARATHYROIDISM AND SUPERFICIAL MONILIASIS. Identifiers: Orphanet 3453, MedGen C0085859, MONDO:0009411, OMIM 240300.

Submission:

Natera, Inc.
Classification: Likely pathogenic for Polyglandular autoimmune syndrome type 1. Last evaluated: 2025-06-09. Review status: criteria provided, single submitter. Criteria: Natera Variant Classification Schema (03/2026). Collection method: clinical testing. Allele origin: germline.
Comment: The c.1566+1del variant in AIRE is a canonical splice donor site variant predicted to affect pre-mRNA splicing, which may result in an abnormal transcript and altered protein product. This variant is expected to result in nonsense mediated decay, truncation, or a dysfunctional protein product. This variant is rare in the general population with a frequency below the threshold expected for the associated phenotype(s). Given the available evidence, this variant is classified as Likely Pathogenic.